The following is an entry in ClinVar:

NM_001267550.2(TTN):c.80547T>A (p.Tyr26849Ter)

Genes: TTN (titin; minus strand), TTN-AS1 (TTN antisense RNA 1; plus strand). Cytogenetic location: 2q31.2.
Variant type: single nucleotide variant.
Coding change: c.80547T>A on transcript NM_001267550.2 (MANE Select); coding-DNA position 80547, T replaced by A.
Protein change: p.Tyr26849Ter; replaces tyrosine 26849 with a stop codon.
Molecular consequence: nonsense.
Genome position (GRCh38, 1-based): chr2:178,565,585, A>T on the plus strand (T>A on the coding strand, the complement: TTN is on the minus strand). VCF-style: chr2-178565585-A-T. GRCh37 (hg19) VCF-style: chr2-179430312-A-T.
Other names: c.75624T>A, p.Tyr25208Ter (NM_001256850.1); c.53352T>A, p.Tyr17784Ter (NM_003319.4); c.72843T>A, p.Tyr24281Ter (NM_133378.4); c.53727T>A, p.Tyr17909Ter (NM_133432.3); c.53928T>A, p.Tyr17976Ter (NM_133437.4); short protein forms Y25208*, Y26849*, Y17784*, Y17909*, Y24281*, Y17976*.
Identifiers: ClinVar variation 855481 (VCV000855481.10), dbSNP rs1575673206, ClinGen allele CA349588318.

ClinVar aggregate classification (germline): Likely pathogenic (1 of 4 stars; one submission).

Conditions:
Dilated cardiomyopathy 1G (CMD1G). Identifiers: Orphanet 154, MedGen C1858763, MONDO:0011400, OMIM 604145.
Autosomal recessive limb-girdle muscular dystrophy type 2J (LGMDR10). Also called: Limb-girdle muscular dystrophy, type 2J; MUSCULAR DYSTROPHY, LIMB-GIRDLE, AUTOSOMAL RECESSIVE 10. Identifiers: Orphanet 140922, MedGen C1837342, MONDO:0012127, OMIM 608807.

Submission:

Labcorp Genetics (formerly Invitae), Labcorp
Classification: Likely pathogenic for Dilated cardiomyopathy 1G; Autosomal recessive limb-girdle muscular dystrophy type 2J. Last evaluated: 2019-11-27. Review status: criteria provided, single submitter. Criteria: Invitae Variant Classification Sherloc (09022015). Collection method: clinical testing. Allele origin: germline.
Comment: In summary, the currently available evidence indicates that the variant is pathogenic, but additional data are needed to prove that conclusively. Therefore, this variant has been classified as Likely Pathogenic. This variant is located in the A band of TTN (PMID: 25589632). Truncating variants in this region are significantly overrepresented in patients affected with dilated cardiomyopathy (PMID: 25589632). Truncating variants in this region have also been reported in individuals affected with autosomal recessive centronuclear myopathy (PMID: 23975875). This variant has not been reported in the literature in individuals with TTN-related conditions. This variant is not present in population databases (ExAC no frequency). This sequence change results in a premature translational stop signal in the TTN gene (p.Tyr26849*). While this is not anticipated to result in nonsense mediated decay, it is expected to create a truncated TTN protein.

Literature cited by the submitters: PubMed 25589632; PubMed 23975875.